The following is an entry in ClinVar:

ClinVar aggregate classification (germline): Uncertain significance. Review status: criteria provided, multiple submitters, no conflicts (2 of 4 stars). 4 submissions from 4 submitters: Uncertain significance (4). Last evaluated 2025-05-09.

Conditions:
Hypertrophic cardiomyopathy 17. Identifiers: MedGen C3151264, MONDO:0013474, OMIM 613873.
Cardiomyopathy, dilated, 2E. Identifiers: MedGen C5561970, MONDO:0030366, OMIM 619492.
Cardiovascular phenotype. Identifiers: MedGen CN230736.
Hypertrophic cardiomyopathy. Also called: HYPERTROPHIC MYOCARDIOPATHY. Identifiers: Orphanet 217569, MedGen C0007194, MeSH D002312, MONDO:0005045, HP:0001639.

Allele frequency attached by ClinVar (database versions not stated): gnomAD exomes 0.00001; ExAC 0.00002; gnomAD 0.00002; TOPMed 0.00003.
gnomAD v4.1: 9 of 1,580,740 alleles (0.00057%); highest among the groups gnomAD compares: Non-Finnish European, 0.00077%; no homozygotes.

Submissions (4):

Labcorp Genetics (formerly Invitae), Labcorp
Classification: Uncertain significance for Hypertrophic cardiomyopathy. Last evaluated: 2025-05-09. Review status: criteria provided, single submitter. Criteria: Invitae Variant Classification Sherloc (09022015). Collection method: clinical testing. Allele origin: germline.
Comment: This sequence change replaces serine, which is neutral and polar, with tryptophan, which is neutral and slightly polar, at codon 597 of the JPH2 protein (p.Ser597Trp). This variant is present in population databases (rs775179837, gnomAD 0.002%). This variant has not been reported in the literature in individuals affected with JPH2-related conditions. ClinVar contains an entry for this variant (Variation ID: 565818). An algorithm developed to predict the effect of missense changes on protein structure and function (PolyPhen-2) suggests that this variant is likely to be tolerated. In summary, the available evidence is currently insufficient to determine the role of this variant in disease. Therefore, it has been classified as a Variant of Uncertain Significance.

GeneDx
Classification: Uncertain significance. Last evaluated: 2024-12-03. Review status: criteria provided, single submitter. Criteria: GeneDx Variant Classification Process June 2021. Collection method: clinical testing. Allele origin: germline. Affected: yes.
Comment: Has not been previously published as pathogenic or benign to our knowledge; Not observed at significant frequency in large population cohorts (gnomAD); In silico analysis indicates that this missense variant does not alter protein structure/function

Ambry Genetics
Classification: Uncertain significance for Cardiovascular phenotype. Last evaluated: 2024-06-22. Review status: criteria provided, single submitter. Criteria: Ambry Variant Classification Scheme 2023. Collection method: clinical testing. Allele origin: germline.
Comment: The p.S597W variant (also known as c.1790C>G), located in coding exon 4 of the JPH2 gene, results from a C to G substitution at nucleotide position 1790. The serine at codon 597 is replaced by tryptophan, an amino acid with highly dissimilar properties. This amino acid position is conserved. In addition, this alteration is predicted to be tolerated by in silico analysis. Since supporting evidence is limited at this time, the clinical significance of this alteration remains unclear.

Fulgent Genetics
Classification: Uncertain significance for Hypertrophic cardiomyopathy 17; Cardiomyopathy, dilated, 2E. Last evaluated: 2024-04-10. Review status: criteria provided, single submitter. Criteria: ACMG Guidelines, 2015. Collection method: clinical testing. Allele origin: germline.

NM_020433.5(JPH2):c.1790C>G (p.Ser597Trp)

Gene: JPH2 (junctophilin 2; minus strand). Cytogenetic location: 20q13.12.
Variant type: single nucleotide variant.
Coding change: c.1790C>G on transcript NM_020433.5 (MANE Select); coding-DNA position 1790, C replaced by G.
Protein change: p.Ser597Trp; replaces serine 597 with tryptophan.
Molecular consequence: missense variant.
Genome position (GRCh38, 1-based): chr20:44,115,885, G>C on the plus strand (C>G on the coding strand, the complement: JPH2 is on the minus strand). VCF-style: chr20-44115885-G-C. GRCh37 (hg19) VCF-style: chr20-42744525-G-C.
Other names: short protein forms S597W.
Identifiers: ClinVar variation 565818 (VCV000565818.13), dbSNP rs775179837, ClinGen allele CA9868605.